The following is an entry in ClinVar:

NM_002858.4(ABCD3):c.262C>T (p.Leu88Phe)

Gene: ABCD3 (ATP binding cassette subfamily D member 3; plus strand). Cytogenetic location: 1p21.3.
Variant type: single nucleotide variant.
Coding change: c.262C>T on transcript NM_002858.4 (MANE Select); coding-DNA position 262, C replaced by T.
Protein change: p.Leu88Phe; replaces leucine 88 with phenylalanine.
Molecular consequence: missense variant.
Genome position (GRCh38, 1-based): chr1:94,467,934, C>T. VCF-style: chr1-94467934-C-T. GRCh37 (hg19) VCF-style: chr1-94933490-C-T.
Other names: c.262C>T, p.Leu88Phe (NM_001122674.2); short protein forms L88F.
Identifiers: ClinVar variation 3129173 (VCV003129173.2), dbSNP rs541543507, ClinGen allele CA960081.

ClinVar aggregate classification (germline): Uncertain significance. Review status: criteria provided, multiple submitters, no conflicts (2 of 4 stars). 2 submissions from 2 submitters: Uncertain significance (2). Last evaluated 2026-08-30.

Conditions:
ABCD3-related disorder. Also called: ABCD3-related condition.

Allele frequency attached by ClinVar (database versions not stated): TOPMed 0.00001; gnomAD exomes 0.00002; gnomAD 0.00003; ExAC 0.00008.

Submissions (2):

PreventionGenetics, part of Exact Sciences
Classification: Uncertain significance for ABCD3-related condition. Last evaluated: 2026-08-30. Review status: criteria provided, single submitter. Criteria: ACMG Guidelines, 2015. Collection method: clinical testing. Allele origin: germline.
Comment: The ABCD3 c.262C>T variant is predicted to result in the amino acid substitution p.Leu88Phe. This variant was document in an intrahepatic cholestasis of pregnancy cohort (Supplementary Table S3 in Liu et al. 2022. PubMed ID: 36046230) and in a neonatal hyperbilirubinemia cohort (You et al. 2024. PubMed ID: 39654666). However, further clinical or functional studies were not completed to further assess the pathogenicity of this variant. This variant is reported in 0.095% of alleles in individuals of East Asian descent in gnomAD. Although we suspect that this variant may be benign, at this time, the clinical significance of this variant is uncertain due to the absence of conclusive functional and genetic evidence.

Ambry Genetics
Classification: Uncertain significance. Last evaluated: 2023-09-20. Review status: criteria provided, single submitter. Criteria: Ambry Variant Classification Scheme 2023. Collection method: clinical testing. Allele origin: germline.